The following is an entry in ClinVar:

NM_016151.4(TAOK2):c.2948G>C (p.Gly983Ala)

Gene: TAOK2 (TAO kinase 2; plus strand). Cytogenetic location: 16p11.2.
Variant type: single nucleotide variant.
Coding change: c.2948G>C on transcript NM_016151.4 (MANE Select); coding-DNA position 2948, G replaced by C.
Protein change: p.Gly983Ala; replaces glycine 983 with alanine.
Molecular consequence: missense variant. On other transcripts: intron variant (1).
Genome position (GRCh38, 1-based): chr16:29,987,220, G>C. VCF-style: chr16-29987220-G-C. GRCh37 (hg19) VCF-style: chr16-29998541-G-C.
Other names: c.2609G>C, p.Gly870Ala (NM_001252043.2); c.2232+716G>C (NM_004783.4); short protein forms G870A, G983A.
Identifiers: ClinVar variation 4728498 (VCV004728498.1).

ClinVar aggregate classification (germline): Uncertain significance (1 of 4 stars; one submission).

Submission:

Labcorp Genetics (formerly Invitae), Labcorp
Classification: Uncertain significance. Last evaluated: 2025-10-05. Review status: criteria provided, single submitter. Criteria: Invitae Variant Classification Sherloc (09022015). Collection method: clinical testing. Allele origin: germline.
Comment: This sequence change replaces glycine, which is neutral and non-polar, with alanine, which is neutral and non-polar, at codon 983 of the TAOK2 protein (p.Gly983Ala). This variant is not present in population databases (gnomAD no frequency). This variant has not been reported in the literature in individuals affected with TAOK2-related conditions. An algorithm developed to predict the effect of missense changes on protein structure and function (PolyPhen-2) suggests that this variant is likely to be disruptive. In summary, the available evidence is currently insufficient to determine the role of this variant in disease. Therefore, it has been classified as a Variant of Uncertain Significance.